The following is an entry in ClinVar:

NM_014679.5(CEP57):c.729T>C (p.Leu243=)

Gene: CEP57 (centrosomal protein 57; plus strand). Cytogenetic location: 11q21.
Variant type: single nucleotide variant.
Coding change: c.729T>C on transcript NM_014679.5 (MANE Select); coding-DNA position 729, T replaced by C.
Protein change: p.Leu243=; no amino-acid change (leucine 243 retained).
Molecular consequence: synonymous variant.
Genome position (GRCh38, 1-based): chr11:95,821,900, T>C. VCF-style: chr11-95821900-T-C. GRCh37 (hg19) VCF-style: chr11-95555064-T-C.
Other names: c.702T>C, p.Leu234= (NM_001243776.2); c.729T>C, p.Leu243= (NM_001243777.2); c.648T>C, p.Leu216= (NM_001363604.2).
Identifiers: ClinVar variation 2642305 (VCV002642305.27), dbSNP rs1211084965, ClinGen allele CA476301863.
Genomic context (GRCh38, chr11:95,821,900, plus strand): 5'-AGCATTAACTTGAGGCTCTCATTTTTCCTAGTTGCAGACTGGTCTAGAAACAAATAGACT[T>C]ATCTTTGAAGATAAGGCAACTCCGTGTGTTCCCAATGCAAGAAGAATTAAAAAAAAGAAG-3'
Protein context (NP_055494.2, residues 233-253): ELQTGLETNR[Leu243=]IFEDKATPCV

ClinVar aggregate classification (germline): Likely benign. Review status: criteria provided, multiple submitters, no conflicts (2 of 4 stars). 2 submissions from 2 submitters: Likely benign (2). Last evaluated 2022-11-29.

Conditions:
Mosaic variegated aneuploidy syndrome 2 (MVA2). Identifiers: Orphanet 1052, MedGen C3279843, MONDO:0013582, OMIM 614114.

Submissions (2):

Labcorp Genetics (formerly Invitae), Labcorp
Classification: Likely benign for Mosaic variegated aneuploidy syndrome 2. Last evaluated: 2022-11-29. Review status: criteria provided, single submitter. Criteria: Invitae Variant Classification Sherloc (09022015). Collection method: clinical testing. Allele origin: germline.

CeGaT Center for Human Genetics Tuebingen
Classification: Likely benign. Last evaluated: 2022-03-01. Review status: criteria provided, single submitter. Criteria: CeGaT Center For Human Genetics Tuebingen Variant Classification Criteria Version 2. Collection method: clinical testing. Allele origin: germline. Affected: yes. Observed: 1 variant allele.
Comment: CEP57: BP4, BP7